The following is an entry in ClinVar:

ClinVar aggregate classification (germline): Uncertain significance (3 of 4 stars; one submission).

Conditions:
Monogenic diabetes. Identifiers: Orphanet 183625, MedGen C3888631, MONDO:0015967.

Submission:

ClinGen Monogenic Diabetes Variant Curation Expert Panel
Classification: Uncertain significance for Monogenic diabetes. Last evaluated: 2025-07-24. Review status: reviewed by expert panel. Criteria: ClinGen Diabetes ACMG Specifications HNF1A V3.0.0. Collection method: curation. Allele origin: germline. Inheritance: Autosomal dominant inheritance.
Comment: The c.80T>G variant in the HNF1 homeobox A gene, HNF1A, causes an amino acid change of isoleucine to serine at codon 27 (p.Ile27Ser) of NM_000545.8. This variant is located within the DNA dimerization domain (codons 1-32) of HNF1A, which is defined as critical for the protein’s function by the ClinGen MDEP (PM1_Supporting) and is absent from gnomAD v2.1.1 and v4.1.0 (PM2_Supporting). Additionally, this variant is predicted to be deleterious by computational evidence, with a REVEL score of 0.861, which is greater than the MDEP VCEP threshold of 0.70 (PP3). This variant was identified in an individual with diabetes; however, the calculated MODY probability is <50% and PP4 could not be applied (PMID 18003757). Another missense variant, c.80T>C (p.Ile27Thr), has been classified as a VUS by the ClinGen MDEP; therefore, PM5 will not be applied. In summary, c.80T>G meets the criteria to be classified as a variant of uncertain significance for monogenic diabetes. ACMG/AMP criteria applied, as specified by the ClinGen MDEP (specification version 3.0.0, approved 6/30/2025): PM1_Supporting, PM2_Supporting, PP3.

Literature cited by the submitters: PubMed 18003757.

NM_000545.8(HNF1A):c.80T>G (p.Ile27Ser)

Gene: HNF1A (HNF1 homeobox A; plus strand). Cytogenetic location: 12q24.31.
Variant type: single nucleotide variant.
Coding change: c.80T>G on transcript NM_000545.8 (MANE Select); coding-DNA position 80, T replaced by G.
Protein change: p.Ile27Ser; replaces isoleucine 27 with serine.
Molecular consequence: missense variant.
Genome position (GRCh38, 1-based): chr12:120,978,848, T>G. VCF-style: chr12-120978848-T-G. GRCh37 (hg19) VCF-style: chr12-121416651-T-G.
Other names: NM_001306179.2:c.80T>G; c.80T>G, p.Ile27Ser (NM_001306179.2); short protein forms I27S.
Identifiers: ClinVar variation 1676699 (VCV001676699.4), dbSNP rs2135819576, ClinGen allele CA386952724.